The following is an entry in ClinVar:

NM_016035.5(COQ4):c.541G>A (p.Val181Met)

Gene: COQ4 (coenzyme Q4; plus strand). Cytogenetic location: 9q34.11.
Variant type: single nucleotide variant.
Coding change: c.541G>A on transcript NM_016035.5 (MANE Select); coding-DNA position 541, G replaced by A.
Protein change: p.Val181Met; replaces valine 181 with methionine.
Molecular consequence: missense variant. On other transcripts: intron variant (1).
Genome position (GRCh38, 1-based): chr9:128,332,858, G>A. VCF-style: chr9-128332858-G-A. GRCh37 (hg19) VCF-style: chr9-131095137-G-A.
Other names: c.3-616G>A (NM_001305942.2); c.541G>A (NM_016035.3); short protein forms V181M.
Identifiers: ClinVar variation 576635 (VCV000576635.10), dbSNP rs1430241934, ClinGen allele CA375023515.

ClinVar aggregate classification (germline): Uncertain significance. Review status: criteria provided, multiple submitters, no conflicts (2 of 4 stars). 2 submissions from 2 submitters: Uncertain significance (2). Last evaluated 2023-12-21.

Conditions:
Inborn genetic diseases. Identifiers: MedGen C0950123, MeSH D030342.
Neonatal encephalomyopathy-cardiomyopathy-respiratory distress syndrome. Also called: Coenzyme Q10 deficiency, primary, 7. Identifiers: Orphanet 457185, MedGen C5568562, MONDO:0014562, OMIM 616276.

Allele frequency attached by ClinVar (database versions not stated): gnomAD exomes below 0.00001; gnomAD 0.00001; TOPMed 0.00001.
gnomAD v4.1: 3 of 1,613,514 alleles (0.00019%); highest among the groups gnomAD compares: Admixed American, 0.0017%; no homozygotes.

Submissions (2):

Ambry Genetics
Classification: Uncertain significance for Inborn genetic diseases. Last evaluated: 2023-12-21. Review status: criteria provided, single submitter. Criteria: Ambry Variant Classification Scheme 2023. Collection method: clinical testing. Allele origin: germline.

Labcorp Genetics (formerly Invitae), Labcorp
Classification: Uncertain significance for Neonatal encephalomyopathy-cardiomyopathy-respiratory distress syndrome. Last evaluated: 2022-12-02. Review status: criteria provided, single submitter. Criteria: Invitae Variant Classification Sherloc (09022015). Collection method: clinical testing. Allele origin: germline.
Comment: In summary, the available evidence is currently insufficient to determine the role of this variant in disease. Therefore, it has been classified as a Variant of Uncertain Significance. Advanced modeling of protein sequence and biophysical properties (such as structural, functional, and spatial information, amino acid conservation, physicochemical variation, residue mobility, and thermodynamic stability) has been performed at Invitae for this missense variant, however the output from this modeling did not meet the statistical confidence thresholds required to predict the impact of this variant on COQ4 protein function. ClinVar contains an entry for this variant (Variation ID: 576635). This variant has not been reported in the literature in individuals affected with COQ4-related conditions. This variant is present in population databases (no rsID available, gnomAD 0.005%). This sequence change replaces valine, which is neutral and non-polar, with methionine, which is neutral and non-polar, at codon 181 of the COQ4 protein (p.Val181Met).